The following is an entry in ClinVar:

ClinVar aggregate classification (germline): Benign (1 of 4 stars; one submission).

Allele frequency attached by ClinVar (database versions not stated): ESP Exome Variant Server 0.14586; gnomAD exomes 0.16309; gnomAD 0.16750; TOPMed 0.17399; ExAC 0.18270; 1000 Genomes Project 30x 0.19176; 1000 Genomes Project 0.19788.
gnomAD v4.1: 261,727 of 1,602,916 alleles (16%); highest among the groups gnomAD compares: East Asian, 36%; 23,578 homozygotes.

Submission:

Unidad de Genómica Garrahan, Hospital de Pediatría Garrahan
Classification: Benign. Last evaluated: 2024-01-24. Review status: criteria provided, single submitter. Criteria: ACMG Guidelines, 2015. Collection method: clinical testing. Allele origin: germline. Affected: no. Observed: 41 variant alleles.
Comment: This variant is classified as Benign based on local population frequency. This variant was detected in 43% of patients studied by a panel of primary immunodeficiencies. Number of patients: 41. Only high quality variants are reported.

NM_005488.3(TOM1):c.1284+43G>A

Gene: TOM1 (target of myb1 membrane trafficking protein; plus strand). Cytogenetic location: 22q12.3.
Variant type: single nucleotide variant.
Coding change: c.1284+43G>A on transcript NM_005488.3 (MANE Select); 43 bases into the intron after coding-DNA position 1284, G replaced by A.
Molecular consequence: intron variant.
Genome position (GRCh38, 1-based): chr22:35,345,827, G>A. VCF-style: chr22-35345827-G-A. GRCh37 (hg19) VCF-style: chr22-35741820-G-A.
Other names: c.1185+43G>A (NM_001135729.2); c.1284+43G>A (NM_001135732.2); c.1149+43G>A (NM_001135730.2).
Identifiers: ClinVar variation 2688164 (VCV002688164.2), dbSNP rs133398, ClinGen allele CA10204490.